The following is an entry in ClinVar:

ClinVar aggregate classification (germline): Uncertain significance (1 of 4 stars; one submission).

Conditions:
DICER1-related tumor predisposition. Also called: DICER1 syndrome; DICER1-related pleuropulmonary blastoma cancer predisposition syndrome. Identifiers: Orphanet 284343, MedGen C3839822, MONDO:0100216.

Submission:

Labcorp Genetics (formerly Invitae), Labcorp
Classification: Uncertain significance for DICER1-related tumor predisposition. Last evaluated: 2021-06-06. Review status: criteria provided, single submitter. Criteria: Invitae Variant Classification Sherloc (09022015). Collection method: clinical testing. Allele origin: germline.
Comment: This sequence change falls in intron 23 of the DICER1 gene. It does not directly change the encoded amino acid sequence of the DICER1 protein. It affects a nucleotide within the consensus splice site of the intron. This variant is not present in population databases (ExAC no frequency). This variant has not been reported in the literature in individuals with DICER1-related conditions. Nucleotide substitutions within the consensus splice site are a relatively common cause of aberrant splicing (PMID: 17576681, 9536098). Algorithms developed to predict the effect of sequence changes on RNA splicing suggest that this variant is not likely to affect RNA splicing, but this prediction has not been confirmed by published transcriptional studies. In summary, the available evidence is currently insufficient to determine the role of this variant in disease. Therefore, it has been classified as a Variant of Uncertain Significance.

Literature cited by the submitters: PubMed 17576681; PubMed 9536098.

NM_177438.3(DICER1):c.5096-3C>T

Gene: DICER1 (dicer 1, ribonuclease III; minus strand). Cytogenetic location: 14q32.13.
Variant type: single nucleotide variant.
Coding change: c.5096-3C>T on transcript NM_177438.3 (MANE Select); 3 bases into the intron before coding-DNA position 5096, C replaced by T.
Molecular consequence: intron variant.
Genome position (GRCh38, 1-based): chr14:95,094,159, G>A on the plus strand (C>T on the coding strand, the complement: DICER1 is on the minus strand). VCF-style: chr14-95094159-G-A. GRCh37 (hg19) VCF-style: chr14-95560496-G-A.
Other names: c.5096-3C>T (NM_001291628.2, NM_030621.4, NM_001271282.3 and 1 more transcripts).
Identifiers: ClinVar variation 1497090 (VCV001497090.7), dbSNP rs2139816577, ClinGen allele CA2573150335.